The following is an entry in ClinVar:

NM_000428.3(LTBP2):c.3518T>C (p.Val1173Ala)

Gene: LTBP2 (latent transforming growth factor beta binding protein 2; minus strand). Cytogenetic location: 14q24.3.
Variant type: single nucleotide variant.
Coding change: c.3518T>C on transcript NM_000428.3 (MANE Select); coding-DNA position 3518, T replaced by C.
Protein change: p.Val1173Ala; replaces valine 1173 with alanine.
Molecular consequence: missense variant.
Genome position (GRCh38, 1-based): chr14:74,508,838, A>G on the plus strand (T>C on the coding strand, the complement: LTBP2 is on the minus strand). VCF-style: chr14-74508838-A-G. GRCh37 (hg19) VCF-style: chr14-74975541-A-G.
Other names: c.3518T>C (NM_000428.2); short protein forms V1173A.
Identifiers: ClinVar variation 2160000 (VCV002160000.3), dbSNP rs959867560, ClinGen allele CA263583976.

ClinVar aggregate classification (germline): Uncertain significance. Review status: criteria provided, multiple submitters, no conflicts (2 of 4 stars). 2 submissions from 2 submitters: Uncertain significance (2). Last evaluated 2025-05-29.

Conditions:
Inborn genetic diseases. Identifiers: MedGen C0950123, MeSH D030342.

Allele frequency attached by ClinVar (database versions not stated): gnomAD 0.00003; gnomAD exomes below 0.00001; TOPMed 0.00005.
gnomAD v4.1: 7 of 1,613,452 alleles (0.00043%); highest among the groups gnomAD compares: Admixed American, 0.01%; no homozygotes.

Submissions (2):

Ambry Genetics
Classification: Uncertain significance for Inborn genetic diseases. Last evaluated: 2025-05-29. Review status: criteria provided, single submitter. Criteria: Ambry Variant Classification Scheme 2023. Collection method: clinical testing. Allele origin: germline.

Labcorp Genetics (formerly Invitae), Labcorp
Classification: Uncertain significance. Last evaluated: 2022-03-18. Review status: criteria provided, single submitter. Criteria: Invitae Variant Classification Sherloc (09022015). Collection method: clinical testing. Allele origin: germline.
Comment: This sequence change replaces valine, which is neutral and non-polar, with alanine, which is neutral and non-polar, at codon 1173 of the LTBP2 protein (p.Val1173Ala). This variant is present in population databases (no rsID available, gnomAD 0.003%). This variant has not been reported in the literature in individuals affected with LTBP2-related conditions. Algorithms developed to predict the effect of missense changes on protein structure and function are either unavailable or do not agree on the potential impact of this missense change (SIFT: "Deleterious"; PolyPhen-2: "Benign"; Align-GVGD: "Class C25"). In summary, the available evidence is currently insufficient to determine the role of this variant in disease. Therefore, it has been classified as a Variant of Uncertain Significance.